The following is an entry in ClinVar:

NM_000271.5(NPC1):c.3745A>G (p.Ser1249Gly)

Gene: NPC1 (NPC intracellular cholesterol transporter 1; minus strand). Cytogenetic location: 18q11.2.
Variant type: single nucleotide variant.
Coding change: c.3745A>G on transcript NM_000271.5 (MANE Select); coding-DNA position 3745, A replaced by G.
Protein change: p.Ser1249Gly; replaces serine 1249 with glycine.
Molecular consequence: missense variant.
Genome position (GRCh38, 1-based): chr18:23,533,364, T>C on the plus strand (A>G on the coding strand, the complement: NPC1 is on the minus strand). VCF-style: chr18-23533364-T-C. GRCh37 (hg19) VCF-style: chr18-21113328-T-C.
Other names: short protein forms S1249G.
Identifiers: ClinVar variation 555483 (VCV000555483.9), dbSNP rs1415921261, ClinGen allele CA401790512.

ClinVar aggregate classification (germline): Conflicting classifications of pathogenicity. Review status: criteria provided, conflicting classifications (1 of 4 stars). 3 submissions from 3 submitters: Likely pathogenic (1); Uncertain significance (1). 1 of the submissions does not count toward it. Last evaluated 2025-07-24.

Conditions:
Niemann-Pick disease, type C1. Also called: NIEMANN-PICK DISEASE, VARIANT TYPE C1; NEUROVISCERAL STORAGE DISEASE WITH VERTICAL SUPRANUCLEAR OPHTHALMOPLEGIA; NIEMANN-PICK DISEASE WITH CHOLESTEROL ESTERIFICATION BLOCK; NIEMANN-PICK DISEASE WITHOUT SPHINGOMYELINASE DEFICIENCY; NIEMANN-PICK DISEASE, CHRONIC NEURONOPATHIC FORM. Identifiers: Orphanet 646, MedGen C3179455, MONDO:0009757, OMIM 257220.

Allele frequency attached by ClinVar (database versions not stated): TOPMed below 0.00001; gnomAD 0.00001.
gnomAD v4.1: 2 of 1,613,888 alleles (0.00012%); highest among the groups gnomAD compares: African/African-American, 0.0027%; no homozygotes.

Submissions (3):

Women's Health and Genetics/Laboratory Corporation of America, LabCorp
Classification: Uncertain significance. Last evaluated: 2025-07-24. Review status: criteria provided, single submitter. Criteria: LabCorp Variant Classification Summary - May 2015. Collection method: clinical testing. Allele origin: germline.
Comment: Variant summary: NPC1 c.3745A>G (p.Ser1249Gly) results in a non-conservative amino acid change in the encoded protein sequence. Algorithms developed to predict the effect of missense changes on protein structure and function all suggest that this variant is likely to be disruptive. The variant was absent in 251398 control chromosomes. The available data on variant occurrences in the general population are insufficient to allow any conclusion about variant significance. c.3745A>G has been observed in individual(s) affected with Niemann-Pick Disease Type C (e.g. Park_2003, Garver_2010). These data do not allow any conclusion about variant significance. To our knowledge, no experimental evidence demonstrating an impact on protein function has been reported. The following publications have been ascertained in the context of this evaluation (PMID: 19744920, 12955717). ClinVar contains an entry for this variant (Variation ID: 555483). Based on the evidence outlined above, the variant was classified as uncertain significance.

Labcorp Genetics (formerly Invitae), Labcorp
Classification: Likely pathogenic for Niemann-Pick disease, type C1. Last evaluated: 2022-10-17. Review status: criteria provided, single submitter. Criteria: Invitae Variant Classification Sherloc (09022015). Collection method: clinical testing. Allele origin: germline.
Comment: This sequence change replaces serine, which is neutral and polar, with glycine, which is neutral and non-polar, at codon 1249 of the NPC1 protein (p.Ser1249Gly). This variant is not present in population databases (gnomAD no frequency). In summary, the currently available evidence indicates that the variant is pathogenic, but additional data are needed to prove that conclusively. Therefore, this variant has been classified as Likely Pathogenic. This missense change has been observed in individual(s) with Niemann-Pick disease type C (PMID: 12955717, 19744920). In at least one individual the data is consistent with being in trans (on the opposite chromosome) from a pathogenic variant. ClinVar contains an entry for this variant (Variation ID: 555483). Advanced modeling of protein sequence and biophysical properties (such as structural, functional, and spatial information, amino acid conservation, physicochemical variation, residue mobility, and thermodynamic stability) performed at Invitae indicates that this missense variant is expected to disrupt NPC1 protein function.

Counsyl
Classification: Uncertain significance for Niemann-Pick disease, type C1. Last evaluated: 2017-12-06. Review status: no assertion criteria provided. Collection method: clinical testing. Allele origin: unknown. Not counted in ClinVar's aggregate classification.

Literature cited by the submitters: PubMed 19744920 (cited by 3 submitters); PubMed 12955717 (cited by 3 submitters).